The following is an entry in ClinVar:

ClinVar aggregate classification (germline): Uncertain significance. Review status: criteria provided, multiple submitters, no conflicts (2 of 4 stars). 4 submissions from 4 submitters: Uncertain significance (4). Last evaluated 2026-02-24.

Conditions:
Inborn genetic diseases. Identifiers: MedGen C0950123, MeSH D030342.

gnomAD v4.1: 5 of 1,612,818 alleles (0.00031%); highest among the groups gnomAD compares: East Asian, 0.0067%; no homozygotes.

Submissions (4):

Ambry Genetics
Classification: Uncertain significance for Inborn genetic diseases. Last evaluated: 2026-02-24. Review status: criteria provided, single submitter. Criteria: Ambry Variant Classification Scheme 2023. Collection method: clinical testing. Allele origin: germline.
Comment: The c.829A>C (p.M277L) alteration is located in exon 7 (coding exon 7) of the PAX5 gene. This alteration results from a A to C substitution at nucleotide position 829, causing the methionine (M) at amino acid position 277 to be replaced by a leucine (L). Based on data from gnomAD, the C allele has an overall frequency of <0.001% (1/250026) total alleles studied. The highest observed frequency was <0.001% (/) of alleles. Based on insufficient or conflicting evidence, the clinical significance of this alteration remains unclear.

Labcorp Genetics (formerly Invitae), Labcorp
Classification: Uncertain significance. Last evaluated: 2025-12-24. Review status: criteria provided, single submitter. Criteria: Invitae Variant Classification Sherloc (09022015). Collection method: clinical testing. Allele origin: germline.
Comment: This sequence change replaces methionine, which is neutral and non-polar, with leucine, which is neutral and non-polar, at codon 277 of the PAX5 protein (p.Met277Leu). The frequency data for this variant in the population databases is considered unreliable, as metrics indicate poor data quality at this position in the gnomAD database. This variant has not been reported in the literature in individuals affected with PAX5-related conditions. ClinVar contains an entry for this variant (Variation ID: 2689656). Invitae Evidence Modeling of protein sequence and biophysical properties (such as structural, functional, and spatial information, amino acid conservation, physicochemical variation, residue mobility, and thermodynamic stability) indicates that this missense variant is not expected to disrupt PAX5 protein function with a negative predictive value of 80%. In summary, the available evidence is currently insufficient to determine the role of this variant in disease. Therefore, it has been classified as a Variant of Uncertain Significance.

Blueprint Genetics
Classification: Uncertain significance. Last evaluated: 2024-03-26. Review status: criteria provided, single submitter. Criteria: ACMG Guidelines, 2015. Collection method: clinical testing. Allele origin: germline.

Revvity Omics, Revvity
Classification: Uncertain significance. Last evaluated: 2023-08-17. Review status: criteria provided, single submitter. Criteria: ACMG Guidelines, 2015. Collection method: clinical testing. Allele origin: germline.

NM_016734.3(PAX5):c.829A>C (p.Met277Leu)

Gene: PAX5 (paired box 5; minus strand). Cytogenetic location: 9p13.2.
Variant type: single nucleotide variant.
Coding change: c.829A>C on transcript NM_016734.3 (MANE Select); coding-DNA position 829, A replaced by C.
Protein change: p.Met277Leu; replaces methionine 277 with leucine.
Molecular consequence: missense variant. On other transcripts: intron variant (2).
Genome position (GRCh38, 1-based): chr9:36,923,436, T>G on the plus strand (A>C on the coding strand, the complement: PAX5 is on the minus strand). VCF-style: chr9-36923436-T-G. GRCh37 (hg19) VCF-style: chr9-36923433-T-G.
Other names: c.829A>C, p.Met277Leu (NM_001280547.2, NM_001280548.2, NM_001280552.2); c.505A>C, p.Met169Leu (NM_001280551.2, NM_001280556.2); c.700A>C, p.Met234Leu (NM_001280553.2, NM_001280554.2); c.631A>C, p.Met211Leu (NM_001280555.2); c.780+43113A>C (NM_001280550.2, NM_001280549.2); c.829A>C (NM_016734.1); short protein forms M169L, M211L, M234L, M277L.
Identifiers: ClinVar variation 2689656 (VCV002689656.8), dbSNP rs758672654, ClinGen allele CA193152734.